The following is an entry in ClinVar:

NM_000138.5(FBN1):c.353A>C (p.His118Pro)

Gene: FBN1 (fibrillin 1; minus strand). Cytogenetic location: 15q21.1.
Variant type: single nucleotide variant.
Coding change: c.353A>C on transcript NM_000138.5 (MANE Select); coding-DNA position 353, A replaced by C.
Protein change: p.His118Pro; replaces histidine 118 with proline.
Molecular consequence: missense variant.
Genome position (GRCh38, 1-based): chr15:48,600,228, T>G on the plus strand (A>C on the coding strand, the complement: FBN1 is on the minus strand). VCF-style: chr15-48600228-T-G. GRCh37 (hg19) VCF-style: chr15-48892425-T-G.
Other names: c.353A>C, p.His118Pro (NM_001406716.1, NM_001406717.1); short protein forms H118P.
Identifiers: ClinVar variation 4756402 (VCV004756402.1).

ClinVar aggregate classification (germline): Uncertain significance (1 of 4 stars; one submission).

Conditions:
Familial thoracic aortic aneurysm and aortic dissection (TAAD). Also called: Thoracic aortic aneurysms and dissections. Identifiers: Orphanet 91387, MedGen C4707243, MONDO:0019625.

Submission:

Color Diagnostics, LLC DBA Color Health
Classification: Uncertain significance for Familial thoracic aortic aneurysm and aortic dissection. Last evaluated: 2025-09-11. Review status: criteria provided, single submitter. Criteria: ACMG Guidelines, 2015. Collection method: clinical testing. Allele origin: germline.
Comment: This missense variant replaces histidine with proline at codon 118 of the FBN1 protein. Computational prediction suggests that this variant may not impact protein structure and function. To our knowledge, functional studies have not been reported for this variant. This variant has not been reported in individuals affected with FBN1-related disorders in the literature. This variant has not been identified in the general population by the Genome Aggregation Database (gnomAD). The available evidence is insufficient to determine the role of this variant in disease conclusively. Therefore, this variant is classified as a Variant of Uncertain Significance.